The following is an entry in ClinVar:

ClinVar aggregate classification (germline): Uncertain significance (1 of 4 stars; one submission).

Allele frequency attached by ClinVar (database versions not stated): ExAC 0.00001; gnomAD 0.00001; gnomAD exomes 0.00001.
gnomAD v4.1: 14 of 1,614,038 alleles (0.00087%); highest among the groups gnomAD compares: South Asian, 0.013%; no homozygotes.

Submission:

Labcorp Genetics (formerly Invitae), Labcorp
Classification: Uncertain significance. Last evaluated: 2025-11-24. Review status: criteria provided, single submitter. Criteria: Invitae Variant Classification Sherloc (09022015). Collection method: clinical testing. Allele origin: germline.
Comment: This sequence change replaces leucine, which is neutral and non-polar, with serine, which is neutral and polar, at codon 137 of the ALPK1 protein (p.Leu137Ser). This variant is present in population databases (rs770001847, gnomAD 0.006%). This variant has not been reported in the literature in individuals affected with ALPK1-related conditions. ClinVar contains an entry for this variant (Variation ID: 1923873). Invitae Evidence Modeling of protein sequence and biophysical properties (such as structural, functional, and spatial information, amino acid conservation, physicochemical variation, residue mobility, and thermodynamic stability) indicates that this missense variant is expected to disrupt ALPK1 protein function with a positive predictive value of 80%. In summary, the available evidence is currently insufficient to determine the role of this variant in disease. Therefore, it has been classified as a Variant of Uncertain Significance.

NM_025144.4(ALPK1):c.410T>C (p.Leu137Ser)

Gene: ALPK1 (alpha kinase 1; plus strand). Cytogenetic location: 4q25.
Variant type: single nucleotide variant.
Coding change: c.410T>C on transcript NM_025144.4 (MANE Select); coding-DNA position 410, T replaced by C.
Protein change: p.Leu137Ser; replaces leucine 137 with serine.
Molecular consequence: missense variant.
Genome position (GRCh38, 1-based): chr4:112,411,960, T>C. VCF-style: chr4-112411960-T-C. GRCh37 (hg19) VCF-style: chr4-113333116-T-C.
Other names: c.410T>C, p.Leu137Ser (NM_001102406.2); c.176T>C, p.Leu59Ser (NM_001253884.2); short protein forms L59S, L137S.
Identifiers: ClinVar variation 1923873 (VCV001923873.5), dbSNP rs770001847, ClinGen allele CA3046358.
Genomic context (GRCh38, chr4:112,411,960, plus strand): 5'-TCCTGTATGGGCTCGACGTCTCTGGAAAACTTCTGCAGGTCGCCAAAGGTCTCCACAAGT[T>C]GCAGCCAGCCACGCCAATTGCCCCGCAGGTGGTTATTCGCCAAGCCCGAATCTCCGTGAA-3'
Protein context (NP_079420.3, residues 127-147): LLQVAKGLHK[Leu137Ser]QPATPIAPQV